The following is an entry in ClinVar:

NM_006393.3(NEBL):c.369+81C>T

Gene: NEBL (nebulette; minus strand). Cytogenetic location: 10p12.31.
Variant type: single nucleotide variant.
Coding change: c.369+81C>T on transcript NM_006393.3 (MANE Select); 81 bases into the intron after coding-DNA position 369, C replaced by T.
Molecular consequence: intron variant.
Genome position (GRCh38, 1-based): chr10:20,888,016, G>A on the plus strand (C>T on the coding strand, the complement: NEBL is on the minus strand). VCF-style: chr10-20888016-G-A. GRCh37 (hg19) VCF-style: chr10-21176945-G-A.
Other names: c.249+73656C>T (NM_001377326.1, NM_001377327.1, NM_001377328.1); c.357+73656C>T (NM_213569.2, NM_001173484.2, NM_001377322.1); c.300+73656C>T (NM_001377324.1); c.291+73656C>T (NM_001377325.1); c.309+73656C>T (NM_001377323.1).
Identifiers: ClinVar variation 671153 (VCV000671153.2), dbSNP rs703100, ClinGen allele CA13318224.

ClinVar aggregate classification (germline): Benign. Review status: criteria provided, multiple submitters, no conflicts (2 of 4 stars). 2 submissions from 2 submitters: Benign (2). Last evaluated 2018-06-14.

Allele frequency attached by ClinVar (database versions not stated): TOPMed 0.88266; 1000 Genomes Project 30x 0.88460; 1000 Genomes Project 0.88698; gnomAD 0.89596 and 0.89640; gnomAD exomes 0.90742.
gnomAD v4.1: 911,135 of 1,006,758 alleles (91%); highest among the groups gnomAD compares: South Asian, 92%; 413,362 homozygotes.

Submissions (2):

GeneDx
Classification: Benign. Last evaluated: 2018-06-14. Review status: criteria provided, single submitter. Criteria: GeneDx Variant Classification (06012015). Collection method: clinical testing. Allele origin: germline. Affected: yes.
Comment: This variant is considered likely benign or benign based on one or more of the following criteria: it is a conservative change, it occurs at a poorly conserved position in the protein, it is predicted to be benign by multiple in silico algorithms, and/or has population frequency not consistent with disease.

Breakthrough Genomics
Classification: Benign. Review status: criteria provided, single submitter. Criteria: ACMG Guidelines, 2015. Collection method: not provided. Allele origin: germline. Inheritance: Unknown mechanism. Affected: yes.